The following is an entry in ClinVar:

ClinVar aggregate classification (germline): Uncertain significance (1 of 4 stars; one submission).

Submission:

Labcorp Genetics (formerly Invitae), Labcorp
Classification: Uncertain significance. Last evaluated: 2021-11-22. Review status: criteria provided, single submitter. Criteria: Invitae Variant Classification Sherloc (09022015). Collection method: clinical testing. Allele origin: germline.
Comment: This variant has not been reported in the literature in individuals affected with OPA1-related conditions. In summary, the available evidence is currently insufficient to determine the role of this variant in disease. Therefore, it has been classified as a Variant of Uncertain Significance. Experimental studies and prediction algorithms are not available or were not evaluated, and the functional significance of this variant is currently unknown. This variant is not present in population databases (gnomAD no frequency). This variant, c.432_434del, results in the deletion of 1 amino acid(s) of the OPA1 protein (p.Asp144del), but otherwise preserves the integrity of the reading frame.

NM_130837.3(OPA1):c.429TGA[1] (p.Asp144del)

Gene: OPA1 (OPA1 mitochondrial dynamin like GTPase; plus strand). Cytogenetic location: 3q29.
Variant type: Microsatellite.
Coding change: c.429TGA[1] on transcript NM_130837.3 (MANE Select); one copy of the 3-base unit TGA starting at c.429; the reference has two copies in a row; one copy, 3 bases deleted.
Protein change: p.Asp144del; deletes aspartic acid 144.
Molecular consequence: inframe deletion.
Genome position (GRCh38, 1-based): chr3:193,615,754-193,615,756, TGA deleted; deleting any 3 consecutive bases within chr3:193,615,751-193,615,756 gives the same sequence; the position shown is the placement nearest the transcript's 3' end. VCF-style (leftmost placement, unchanged base first): chr3-193615750-TTGA-T. GRCh37 (hg19) VCF-style: chr3-193333539-TTGA-T.
Other names: c.57TGA[1], p.Asp20del (NM_001354663.2, NM_001354664.2); c.429TGA[1], p.Asp144del (NM_015560.3, NM_130831.3, NM_130832.3 and 4 more transcripts); short protein forms D144del, D20del.
Identifiers: ClinVar variation 1352784 (VCV001352784.6), dbSNP rs2108869312, ClinGen allele CA2580616029.